The following is an entry in ClinVar:

NM_032119.4(ADGRV1):c.8369A>G (p.Tyr2790Cys)

Gene: ADGRV1 (adhesion G protein-coupled receptor V1; plus strand). Cytogenetic location: 5q14.3.
Variant type: single nucleotide variant.
Coding change: c.8369A>G on transcript NM_032119.4 (MANE Select); coding-DNA position 8369, A replaced by G.
Protein change: p.Tyr2790Cys; replaces tyrosine 2790 with cysteine.
Molecular consequence: missense variant. On other transcripts: non-coding transcript variant (1).
Genome position (GRCh38, 1-based): chr5:90,704,471, A>G. VCF-style: chr5-90704471-A-G. GRCh37 (hg19) VCF-style: chr5-90000288-A-G.
Other names: c.8369A>G (NM_032119.3); short protein forms Y2790C.
Identifiers: ClinVar variation 196987 (VCV000196987.12), dbSNP rs751129081, ClinGen allele CA244854.

ClinVar aggregate classification (germline): Uncertain significance. Review status: criteria provided, multiple submitters, no conflicts (2 of 4 stars). 5 submissions from 5 submitters: Uncertain significance (5). Last evaluated 2024-06-26.

Conditions:
Inborn genetic diseases. Identifiers: MedGen C0950123, MeSH D030342.
Febrile seizures, familial, 4 (FEB4). Also called: CONVULSIONS, FAMILIAL FEBRILE, 4. Identifiers: MedGen C1858493, MONDO:0011443, OMIM 604352.
Usher syndrome type 2C. Also called: USHER SYNDROME, TYPE IIC; Usher syndrome, type 2B. Identifiers: Orphanet 231178, Orphanet 886, MedGen C2931213, MONDO:0011558, OMIM 605472.

Allele frequency attached by ClinVar (database versions not stated): gnomAD exomes 0.00001 and 0.00003; gnomAD 0.00003 and 0.00004; TOPMed 0.00004; ExAC 0.00005.
gnomAD v4.1: 40 of 1,561,758 alleles (0.0026%); highest among the groups gnomAD compares: Non-Finnish European, 0.0034%; no homozygotes.

Submissions (5):

Ambry Genetics
Classification: Uncertain significance for Inborn genetic diseases. Last evaluated: 2024-06-26. Review status: criteria provided, single submitter. Criteria: Ambry Variant Classification Scheme 2023. Collection method: clinical testing. Allele origin: germline.

Labcorp Genetics (formerly Invitae), Labcorp
Classification: Uncertain significance. Last evaluated: 2022-03-10. Review status: criteria provided, single submitter. Criteria: Invitae Variant Classification Sherloc (09022015). Collection method: clinical testing. Allele origin: germline.
Comment: This sequence change replaces tyrosine, which is neutral and polar, with cysteine, which is neutral and slightly polar, at codon 2790 of the ADGRV1 protein (p.Tyr2790Cys). The frequency data for this variant in the population databases is considered unreliable, as metrics indicate poor data quality at this position in the gnomAD database. This variant has not been reported in the literature in individuals affected with ADGRV1-related conditions. ClinVar contains an entry for this variant (Variation ID: 196987). Algorithms developed to predict the effect of missense changes on protein structure and function are either unavailable or do not agree on the potential impact of this missense change (SIFT: "Deleterious"; PolyPhen-2: "Benign"; Align-GVGD: "Class C0"). In summary, the available evidence is currently insufficient to determine the role of this variant in disease. Therefore, it has been classified as a Variant of Uncertain Significance.

Fulgent Genetics
Classification: Uncertain significance for Febrile seizures, familial, 4; Usher syndrome type 2C. Last evaluated: 2018-10-31. Review status: criteria provided, single submitter. Criteria: ACMG Guidelines, 2015. Collection method: clinical testing. Allele origin: unknown.

Blueprint Genetics
Classification: Uncertain significance. Last evaluated: 2017-07-12. Review status: criteria provided, single submitter. Criteria: ACMG Guidelines, 2015. Collection method: clinical testing. Allele origin: germline.

Eurofins Ntd Llc (ga)
Classification: Uncertain significance. Last evaluated: 2015-01-04. Review status: criteria provided, single submitter. Criteria: EGL Classification Definitions 2015. Collection method: clinical testing. Allele origin: germline. Observed: 1 variant allele, 1 heterozygote.